The following is an entry in ClinVar:

NM_017841.4(SDHAF2):c.477G>T (p.Glu159Asp)

Gene: SDHAF2 (succinate dehydrogenase complex assembly factor 2; plus strand). Cytogenetic location: 11q12.2.
Variant type: single nucleotide variant.
Coding change: c.477G>T on transcript NM_017841.4 (MANE Select); coding-DNA position 477, G replaced by T.
Protein change: p.Glu159Asp; replaces glutamic acid 159 with aspartic acid.
Molecular consequence: missense variant.
Genome position (GRCh38, 1-based): chr11:61,446,047, G>T. VCF-style: chr11-61446047-G-T. GRCh37 (hg19) VCF-style: chr11-61213519-G-T.
Other names: short protein forms E159D.
Identifiers: ClinVar variation 1710608 (VCV001710608.3), dbSNP rs1285661778, ClinGen allele CA380685558.

ClinVar aggregate classification (germline): Uncertain significance. Review status: criteria provided, multiple submitters, no conflicts (2 of 4 stars). 2 submissions from 2 submitters: Uncertain significance (2). Last evaluated 2026-07-06.

Conditions:
Hereditary cancer-predisposing syndrome. Also called: Tumor predisposition; Hereditary neoplastic syndrome; Neoplastic Syndromes, Hereditary; Hereditary Cancer Syndrome. Identifiers: Orphanet 140162, MedGen C0027672, MeSH D009386, MONDO:0015356.

Submissions (2):

Ambry Genetics
Classification: Uncertain significance for Hereditary cancer-predisposing syndrome. Last evaluated: 2026-07-06. Review status: criteria provided, single submitter. Criteria: Ambry Variant Classification Scheme 2023. Collection method: clinical testing. Allele origin: germline.
Comment: The p.E159D variant (also known as c.477G>T), located in coding exon 4 of the SDHAF2 gene, results from a G to T substitution at nucleotide position 477. The glutamic acid at codon 159 is replaced by aspartic acid, an amino acid with highly similar properties. This amino acid position is conserved. In addition, this alteration is predicted to be tolerated by in silico analysis. Based on the available evidence, the clinical significance of this variant remains unclear.

GeneDx
Classification: Uncertain significance. Last evaluated: 2022-04-14. Review status: criteria provided, single submitter. Criteria: GeneDx Variant Classification Process June 2021. Collection method: clinical testing. Allele origin: germline. Affected: yes.
Comment: Not observed at significant frequency in large population cohorts (gnomAD); In silico analysis supports that this missense variant does not alter protein structure/function; Has not been previously published as pathogenic or benign to our knowledge